The following is an entry in ClinVar:

ClinVar aggregate classification (germline): Uncertain significance (1 of 4 stars; one submission).

Conditions:
Cornelia de Lange syndrome 1 (CDLS1). Also called: TYPUS DEGENERATIVUS AMSTELODAMENSIS; Brachmann de Lange syndrome; NIPBL-Related Cornelia de Lange Syndrome. Identifiers: Orphanet 199, MedGen C4551851, MONDO:0007387, OMIM 122470.

gnomAD v4.1: 1 of 1,613,786 alleles (0.000062%); no homozygotes.

Submission:

OLLIN Analises Genomicas, OLLIN
Classification: Uncertain significance for Cornelia de Lange syndrome 1. Last evaluated: 2026-08-06. Review status: criteria provided, single submitter. Criteria: ACMG Guidelines 2015 PMID 25741868. Collection method: clinical testing. Allele origin: germline. Inheritance: Autosomal dominant inheritance.
Comment: This missense variant, located in exon 10 (of 47), has been observed in gnomAD with an allele frequency of 0.000062%, but has not been reported in ClinVar or identified in the literature. In silico analysis is inconclusive regarding the impact of this variant. This gene is constrained for missense variation. According to the currently available evidence, this variant has been classified as uncertain significance (PM2_P, PP2).

NM_133433.4(NIPBL):c.2575G>A (p.Asp859Asn)

Gene: NIPBL (NIPBL cohesin loading factor; plus strand). Cytogenetic location: 5p13.2.
Variant type: single nucleotide variant.
Coding change: c.2575G>A on transcript NM_133433.4 (MANE Select); coding-DNA position 2575, G replaced by A.
Protein change: p.Asp859Asn; replaces aspartic acid 859 with asparagine.
Molecular consequence: missense variant.
Genome position (GRCh38, 1-based): chr5:36,985,755, G>A. VCF-style: chr5-36985755-G-A. GRCh37 (hg19) VCF-style: chr5-36985857-G-A.
Other names: c.2575G>A, p.Asp859Asn (NM_001438586.1, NM_015384.5); short protein forms D859N.
Identifiers: ClinVar variation 5002796 (VCV005002796.1).